The following is an entry in ClinVar:

ClinVar aggregate classification (germline): Uncertain significance. Review status: criteria provided, multiple submitters, no conflicts (2 of 4 stars). 2 submissions from 2 submitters: Uncertain significance (2). Last evaluated 2023-06-14.

Conditions:
Syndromic multisystem autoimmune disease due to ITCH deficiency. Also called: AUTOIMMUNE DISEASE, MULTISYSTEM, WITH FACIAL DYSMORPHISM. Identifiers: Orphanet 228426, MedGen C3150649, MONDO:0013245, OMIM 613385.

Submissions (2):

GeneDx
Classification: Uncertain significance. Last evaluated: 2023-06-14. Review status: criteria provided, single submitter. Criteria: GeneDx Variant Classification Process June 2021. Collection method: clinical testing. Allele origin: germline. Affected: yes.
Comment: In-frame deletion of 1 amino acid in a non-repeat region; Not observed at significant frequency in large population cohorts (gnomAD); In silico analysis supports a deleterious effect on protein structure/function; Has not been previously published as pathogenic or benign to our knowledge

Labcorp Genetics (formerly Invitae), Labcorp
Classification: Uncertain significance for Syndromic multisystem autoimmune disease due to ITCH deficiency. Last evaluated: 2022-07-12. Review status: criteria provided, single submitter. Criteria: Invitae Variant Classification Sherloc (09022015). Collection method: clinical testing. Allele origin: germline.
Comment: This variant, c.1631_1633del, results in the deletion of 1 amino acid(s) of the ITCH protein (p.Glu544del), but otherwise preserves the integrity of the reading frame. This variant is not present in population databases (gnomAD no frequency). This variant has not been reported in the literature in individuals affected with ITCH-related conditions. Experimental studies and prediction algorithms are not available or were not evaluated, and the functional significance of this variant is currently unknown. Algorithms developed to predict the effect of sequence changes on RNA splicing suggest that this variant may disrupt the consensus splice site. In summary, the available evidence is currently insufficient to determine the role of this variant in disease. Therefore, it has been classified as a Variant of Uncertain Significance.

NM_031483.7(ITCH):c.1628AAG[1] (p.Glu544del)

Gene: ITCH (itchy E3 ubiquitin protein ligase; plus strand). Cytogenetic location: 20q11.22.
Variant type: Microsatellite.
Coding change: c.1628AAG[1] on transcript NM_031483.7 (MANE Select); one copy of the 3-base unit AAG starting at c.1628; the reference has two copies in a row; one copy, 3 bases deleted; also written c.1631_1633del.
Protein change: p.Glu544del; deletes glutamic acid 544.
Molecular consequence: inframe deletion.
Genome position (GRCh38, 1-based): chr20:34,477,833-34,477,835, AAG deleted; deleting any 3 consecutive bases within chr20:34,477,828-34,477,835 gives the same sequence; the position shown is the placement nearest the transcript's 3' end. VCF-style (leftmost placement, unchanged base first): chr20-34477827-GAGA-G. GRCh37 (hg19) VCF-style: chr20-33065632-GAGA-G.
Other names: c.1751AAG[1], p.Glu585del (NM_001257137.3, NM_001324197.2); c.1298AAG[1], p.Glu434del (NM_001257138.3); c.1628AAG[1], p.Glu544del (NM_001324198.2); c.1631_1633del (NM_031483.5); short protein forms E434del, E544del, E585del.
Identifiers: ClinVar variation 1519709 (VCV001519709.7), dbSNP rs2146457379, ClinGen allele CA2580610859.